The following is an entry in ClinVar:

ClinVar aggregate classification (germline): Benign/Likely benign. Review status: criteria provided, multiple submitters, no conflicts (2 of 4 stars). 5 submissions from 5 submitters: Benign (1); Likely benign (4). Last evaluated 2025-12-13.

Conditions:
Familial sleep-related hypermotor epilepsy. Also called: Autosomal Dominant Sleep-Related Hypermotor (Hyperkinetic) Epilepsy. Identifiers: Orphanet 98784, MedGen C3696898, MONDO:0000030.
Inborn genetic diseases. Identifiers: MedGen C0950123, MeSH D030342.

Allele frequency attached by ClinVar (database versions not stated): gnomAD exomes 0.00015 and 0.00021; 1000 Genomes Project 30x 0.00016; 1000 Genomes Project 0.00020; TOPMed 0.00023; gnomAD 0.00024; ExAC 0.00026.
gnomAD v4.1: 326 of 1,546,120 alleles (0.021%); highest among the groups gnomAD compares: Admixed American, 0.048%; no homozygotes.

Submissions (5):

Labcorp Genetics (formerly Invitae), Labcorp
Classification: Likely benign. Last evaluated: 2025-12-13. Review status: criteria provided, single submitter. Criteria: Invitae Variant Classification Sherloc (09022015). Collection method: clinical testing. Allele origin: germline.

CeGaT Center for Human Genetics Tuebingen
Classification: Likely benign. Last evaluated: 2024-12-01. Review status: criteria provided, single submitter. Criteria: CeGaT Center For Human Genetics Tuebingen Variant Classification Criteria Version 2. Collection method: clinical testing. Allele origin: germline. Affected: yes. Observed: 2 variant alleles.
Comment: CHRNB2: BP4, BP7

Blueprint Genetics
Classification: Likely benign. Last evaluated: 2024-07-30. Review status: criteria provided, single submitter. Criteria: ACMG Guidelines, 2015. Collection method: clinical testing. Allele origin: germline.

Ambry Genetics
Classification: Likely benign for Inborn genetic diseases. Last evaluated: 2018-04-12. Review status: criteria provided, single submitter. Criteria: Ambry Variant Classification Scheme 2023. Collection method: clinical testing. Allele origin: germline.

GeneDx
Classification: Benign. Last evaluated: 2015-06-23. Review status: criteria provided, single submitter. Criteria: GeneDx Variant Classification (06012015). Collection method: clinical testing. Allele origin: germline. Affected: yes.
Comment: This variant is considered likely benign or benign based on one or more of the following criteria: it is a conservative change, it occurs at a poorly conserved position in the protein, it is predicted to be benign by multiple in silico algorithms, and/or has population frequency not consistent with disease.

NM_000748.3(CHRNB2):c.1128C>T (p.Leu376=)

Gene: CHRNB2 (cholinergic receptor nicotinic beta 2 subunit; plus strand). Cytogenetic location: 1q21.3.
Variant type: single nucleotide variant.
Coding change: c.1128C>T on transcript NM_000748.3 (MANE Select); coding-DNA position 1128, C replaced by T.
Protein change: p.Leu376=; no amino-acid change (leucine 376 retained).
Molecular consequence: synonymous variant.
Genome position (GRCh38, 1-based): chr1:154,571,951, C>T. VCF-style: chr1-154571951-C-T. GRCh37 (hg19) VCF-style: chr1-154544427-C-T.
Identifiers: ClinVar variation 377681 (VCV000377681.37), dbSNP rs113116986, ClinGen allele CA1130834.